The following is an entry in ClinVar:

NM_017649.5(CNNM2):c.1067G>A (p.Gly356Glu)

Gene: CNNM2 (cyclin and CBS domain divalent metal cation transport mediator 2; plus strand). Cytogenetic location: 10q24.32.
Variant type: single nucleotide variant.
Coding change: c.1067G>A on transcript NM_017649.5 (MANE Select); coding-DNA position 1067, G replaced by A.
Protein change: p.Gly356Glu; replaces glycine 356 with glutamic acid.
Molecular consequence: missense variant.
Genome position (GRCh38, 1-based): chr10:102,919,547, G>A. VCF-style: chr10-102919547-G-A. GRCh37 (hg19) VCF-style: chr10-104679304-G-A.
Other names: c.1067G>A, p.Gly356Glu (NM_199076.3, NM_199077.3); short protein forms G356E.
Identifiers: ClinVar variation 3376914 (VCV003376914.1).
Genomic context (GRCh38, chr10:102,919,547, plus strand): 5'-ACATCGCCGGCTCGGGCCTCGTGGCCGTGGTAGTCTCCACCATCGGTATCGTCATCTTCG[G>A]AGAGATCGTGCCCCAGGCCATCTGCTCCCGGCATGGCCTGGCTGTGGGGGCCAACACCAT-3'
Protein context (NP_060119.3, residues 346-366): VVSTIGIVIF[Gly356Glu]EIVPQAICSR

ClinVar aggregate classification (germline): Likely pathogenic (1 of 4 stars; one submission).

Conditions:
Hypomagnesemia, seizures, and impaired intellectual development 1. Also called: Hypomagnesemia, seizures, and intellectual disability 1. Identifiers: Orphanet 34527, MedGen C4225333, MONDO:0020787, OMIM 616418.

Submission:

Victorian Clinical Genetics Services, Murdoch Childrens Research Institute
Classification: Likely pathogenic for Hypomagnesemia, seizures, and impaired intellectual development 1. Last evaluated: 2023-12-21. Review status: criteria provided, single submitter. Criteria: ACMG Guidelines, 2015. Collection method: clinical testing. Allele origin: germline. Inheritance: Autosomal dominant inheritance. Affected: yes.
Comment: Based on the classification scheme VCGS_Germline_v1.3.4, this variant is classified as Likely Pathogenic. Following criteria are met: 0102 - Loss of function is a known mechanism of disease in this gene and is associated with Hypomagnesemia, seizures, and impaired intellectual development 1 (MIM#616418) and Hypomagnesemia renal 6 (MIM#613882). (I) 0108 - This gene is associated with both recessive and dominant disease. Variants inherited autosomal dominant have been found to have a milder phenotype than variants inherited autosomal recessive which tend to be more severe with congenital onset of seizures (OMIM, PMID: 34604137, PMID: 24699222). (I) 0200 - Variant is predicted to result in a missense amino acid change from glycine to glutamic acid. (I) 0251 - This variant is heterozygous. (I) 0301 - Variant is absent from gnomAD (both v2 and v3). (SP) 0501 - Missense variant consistently predicted to be damaging by multiple in silico tools or highly conserved with a major amino acid change. (SP) 0601 - Variant is located in the well-established functional Cyclin M transmembrane N-terminal domain. Variants identified in individual’s with CNNM2-related disorders were found to cluster in the transmembrane domain and coincided with central nervous system phenotypes. Additionally, mutagenesis studies at p.Gly356 with alanine substitute, showed abolished Mg2+ export activity (DECIPHER, PMID:34604137, PMID:33568487). (SP) 0705 - No comparable missense variants have previous evidence for pathogenicity. (I) 0807 - This variant has no previous evidence of pathogenicity. (I) 0905 - No published segregation evidence has been identified for this variant. (I) 1007 - No published functional evidence has been identified for this variant. (I) 1101 - Very strong and specific phenotype match for this individual. (SP) 1208 - Inheritance information for this variant is not currently available in this individual. (I) Legend: (SP) - Supporting pathogenic, (I) - Information, (SB) - Supporting benign

Literature cited by the submitters: PubMed 24699222; PubMed 33568487; PubMed 34604137.